The following is an entry in ClinVar:

ClinVar aggregate classification (germline): Benign/Likely benign. Review status: criteria provided, multiple submitters, no conflicts (2 of 4 stars). 3 submissions from 3 submitters: Benign (1); Likely benign (2). Last evaluated 2026-04-24.

Conditions:
Colorectal cancer, susceptibility to, 1. Also called: COLORECTAL ADENOMA AND CANCER, SUSCEPTIBILITY TO; COLORECTAL CANCER, SUSCEPTIBILITY TO, ON CHROMOSOME 9. Identifiers: MedGen C1837315, MONDO:0012132, OMIM 608812.

Allele frequency attached by ClinVar (database versions not stated): TOPMed 0.00012; gnomAD 0.00014 and 0.00016; gnomAD exomes 0.00001 and 0.00002; ExAC 0.00001.

Submissions (3):

Myriad Genetics, Inc.
Classification: Benign for Colorectal cancer, susceptibility to, 1. Last evaluated: 2026-04-24. Review status: criteria provided, single submitter. Criteria: Myriad Autosomal Dominant, Autosomal Recessive and X-Linked Classification Criteria (2023). Collection method: clinical testing. Allele origin: unknown.
Comment: This variant is considered benign. This variant is a silent/synonymous amino acid change and it is not expected to impact splicing.

Labcorp Genetics (formerly Invitae), Labcorp
Classification: Likely benign. Last evaluated: 2025-04-16. Review status: criteria provided, single submitter. Criteria: Invitae Variant Classification Sherloc (09022015). Collection method: clinical testing. Allele origin: germline.

Ambry Genetics
Classification: Likely benign. Last evaluated: 2017-07-25. Review status: criteria provided, single submitter. Criteria: Ambry Variant Classification Scheme 2023. Collection method: clinical testing. Allele origin: germline.

NM_024642.5(GALNT12):c.822C>T (p.Pro274=)

Gene: GALNT12 (polypeptide N-acetylgalactosaminyltransferase 12; plus strand). Cytogenetic location: 9q22.33.
Variant type: single nucleotide variant.
Coding change: c.822C>T on transcript NM_024642.5 (MANE Select); coding-DNA position 822, C replaced by T.
Protein change: p.Pro274=; no amino-acid change (proline 274 retained).
Molecular consequence: synonymous variant.
Genome position (GRCh38, 1-based): chr9:98,831,862, C>T. VCF-style: chr9-98831862-C-T. GRCh37 (hg19) VCF-style: chr9-101594144-C-T.
Identifiers: ClinVar variation 485640 (VCV000485640.15), dbSNP rs372822158, ClinGen allele CA5154063.
Genomic context (GRCh38, chr9:98,831,862, plus strand): 5'-CCCGGTGATTGATGTGATCGACTGGAACACCTTCGAATACCTGGGGAACTCCGGGGAGCC[C>T]CAGATCGGCGGTTTCGACTGGAGGCTGGTGTTCACGTGGCACACAGTTCCTGAGAGGGAG-3'
Protein context (NP_078918.3, residues 264-284): TFEYLGNSGE[Pro274=]QIGGFDWRLV